The following is an entry in ClinVar:

NM_020708.5(SLC12A5):c.1787G>A (p.Trp596Ter)

Gene: SLC12A5 (solute carrier family 12 member 5; plus strand). Cytogenetic location: 20q13.12.
Variant type: single nucleotide variant.
Coding change: c.1787G>A on transcript NM_020708.5 (MANE Select); coding-DNA position 1787, G replaced by A.
Protein change: p.Trp596Ter; replaces tryptophan 596 with a stop codon.
Molecular consequence: nonsense.
Genome position (GRCh38, 1-based): chr20:46,046,436, G>A. VCF-style: chr20-46046436-G-A. GRCh37 (hg19) VCF-style: chr20-44675075-G-A.
Other names: c.1856G>A, p.Trp619Ter (NM_001134771.2); short protein forms W596*, W619*.
Identifiers: ClinVar variation 2746599 (VCV002746599.3), dbSNP rs2515644515, ClinGen allele CA409197662.

ClinVar aggregate classification (germline): Pathogenic (1 of 4 stars; one submission).

Conditions:
Developmental and epileptic encephalopathy, 34 (DEE34). Also called: SLC12A5-Related Epilepsy of Infancy with Migrating Focal Seizures; Early infantile epileptic encephalopathy 34. Identifiers: Orphanet 293181, MedGen C4225257, MONDO:0014718, OMIM 616645.

Submission:

Labcorp Genetics (formerly Invitae), Labcorp
Classification: Pathogenic for Developmental and epileptic encephalopathy, 34. Last evaluated: 2024-06-10. Review status: criteria provided, single submitter. Criteria: Invitae Variant Classification Sherloc (09022015). Collection method: clinical testing. Allele origin: germline.
Comment: This sequence change creates a premature translational stop signal (p.Trp596*) in the SLC12A5 gene. It is expected to result in an absent or disrupted protein product. Loss-of-function variants in SLC12A5 are known to be pathogenic (PMID: 26333769, 27436767). This variant is not present in population databases (gnomAD no frequency). This variant has not been reported in the literature in individuals affected with SLC12A5-related conditions. Algorithms developed to predict the effect of sequence changes on RNA splicing suggest that this variant may disrupt the consensus splice site. For these reasons, this variant has been classified as Pathogenic.

Literature cited by the submitters: PubMed 26333769; PubMed 27436767.